The following is an entry in ClinVar:

NM_002661.5(PLCG2):c.653T>C (p.Leu218Pro)

Gene: PLCG2 (phospholipase C gamma 2; plus strand). Cytogenetic location: 16q23.3.
Variant type: single nucleotide variant.
Coding change: c.653T>C on transcript NM_002661.5 (MANE Select); coding-DNA position 653, T replaced by C.
Protein change: p.Leu218Pro; replaces leucine 218 with proline.
Molecular consequence: missense variant.
Genome position (GRCh38, 1-based): chr16:81,880,914, T>C. VCF-style: chr16-81880914-T-C. GRCh37 (hg19) VCF-style: chr16-81914519-T-C.
Other names: short protein forms L218P.
Identifiers: ClinVar variation 1384787 (VCV001384787.8), dbSNP rs2143568039, ClinGen allele CA396906952.
Genomic context (GRCh38, chr16:81,880,914, plus strand): 5'-TTTGCATTAAGTGACTTGTCTAAGGTTCTTTTTTTTGTGTGTGCTTTCCATTTCAGATTC[T>C]CGATGAATTCAAAAAGGATTCGTCCGTGTTCATCCTGGGGTGAGGCAGCTCTTGTGTGTC-3'
Protein context (NP_002652.2, residues 208-228): KLMFEQQKSI[Leu218Pro]DEFKKDSSVF

ClinVar aggregate classification (germline): Uncertain significance (1 of 4 stars; one submission).

Conditions:
Familial cold autoinflammatory syndrome 3 (FCAS3). Also called: FAMILIAL ATYPICAL COLD URTICARIA; ANTIBODY DEFICIENCY AND IMMUNE DYSREGULATION, PLCG2-ASSOCIATED. Identifiers: Orphanet 300359, MedGen C3280914, MONDO:0013766, OMIM 614468.

Submission:

Labcorp Genetics (formerly Invitae), Labcorp
Classification: Uncertain significance for Familial cold autoinflammatory syndrome 3. Last evaluated: 2021-04-04. Review status: criteria provided, single submitter. Criteria: Invitae Variant Classification Sherloc (09022015). Collection method: clinical testing. Allele origin: germline.
Comment: In summary, the available evidence is currently insufficient to determine the role of this variant in disease. Therefore, it has been classified as a Variant of Uncertain Significance. Algorithms developed to predict the effect of missense changes on protein structure and function are either unavailable or do not agree on the potential impact of this missense change (SIFT: "Deleterious"; PolyPhen-2: "Possibly Damaging"; Align-GVGD: "Class C0"). This variant has not been reported in the literature in individuals with PLCG2-related conditions. This variant is not present in population databases (ExAC no frequency). This sequence change replaces leucine with proline at codon 218 of the PLCG2 protein (p.Leu218Pro). The leucine residue is highly conserved and there is a moderate physicochemical difference between leucine and proline.